The following is an entry in ClinVar:

ClinVar aggregate classification (germline): Likely pathogenic (1 of 4 stars; one submission).

Allele frequency attached by ClinVar (database versions not stated): gnomAD 0.00001; gnomAD exomes 0.00001; TOPMed 0.00001; ExAC 0.00003.
gnomAD v4.1: 26 of 1,602,020 alleles (0.0016%); highest among the groups gnomAD compares: Non-Finnish European, 0.0022%; no homozygotes.

Submission:

GeneDx
Classification: Likely pathogenic. Last evaluated: 2013-09-25. Review status: criteria provided, single submitter. Criteria: GeneDx Variant Classification (06012015). Collection method: clinical testing. Allele origin: germline. Affected: yes.
Comment: A novel H215R missense change that is likely pathogenic was identified in the NDUFAF7 gene. It has not been published as a pathogenic variant, nor has it been reported as a benign polymorphism to our knowledge. H215R is a conservative amino acid substitution as Histidine and Arginine are both positively charged residues; however, the variant alters a highly conserved position in the protein and multiple in silico algorithms predict that H215R is damaging to the structure/function of the protein. Therefore, H215R is a strong candidate for a pathogenic variant, however the possibility that it is a benign variant cannot be excluded.

NM_144736.5(NDUFAF7):c.644A>G (p.His215Arg)

Gene: NDUFAF7 (NADH:ubiquinone oxidoreductase complex assembly factor 7; plus strand). Cytogenetic location: 2p22.2.
Variant type: single nucleotide variant.
Coding change: c.644A>G on transcript NM_144736.5 (MANE Select); coding-DNA position 644, A replaced by G.
Protein change: p.His215Arg; replaces histidine 215 with arginine.
Molecular consequence: missense variant. On other transcripts: non-coding transcript variant (7), intron variant (2).
Genome position (GRCh38, 1-based): chr2:37,242,656, A>G. VCF-style: chr2-37242656-A-G. GRCh37 (hg19) VCF-style: chr2-37469799-A-G.
Other names: c.644A>G, p.His215Arg (NM_001350024.2); c.563A>G, p.His188Arg (NM_001350025.2); c.468+1019A>G (NM_001350027.2); c.387+1019A>G (NM_001083946.2); short protein forms H215R, H188R.
Identifiers: ClinVar variation 418380 (VCV000418380.2), dbSNP rs750543865, ClinGen allele CA1617218.